The following is an entry in ClinVar:

ClinVar aggregate classification (germline): Conflicting classifications of pathogenicity. Review status: criteria provided, conflicting classifications (1 of 4 stars). 5 submissions from 5 submitters: Uncertain significance (2); Likely benign (1). 2 of the submissions do not count toward it. Last evaluated 2023-03-01.

Conditions:
POLQ-related disorder. Also called: POLQ-related condition.
Hereditary breast ovarian cancer syndrome. Also called: Hereditary breast and ovarian cancer syndrome (HBOC); Hereditary breast and ovarian cancer syndrome; Hereditary breast and ovarian cancer; Breast and ovarian cancer; BRCA1- and BRCA2-Associated Hereditary Breast and Ovarian Cancer; Hereditary breast and/or ovarian cancer syndrome. Identifiers: Orphanet 145, MedGen C0677776, MeSH D061325, MONDO:0003582. Disease mechanism: loss of function.

Allele frequency attached by ClinVar (database versions not stated): 1000 Genomes Project 30x 0.00250; 1000 Genomes Project 0.00280; ESP Exome Variant Server 0.00431; TOPMed 0.00493; gnomAD 0.00531 and 0.00558; gnomAD exomes 0.00546 and 0.00659; ExAC 0.00588.

Submissions (5):

CeGaT Center for Human Genetics Tuebingen
Classification: Likely benign. Last evaluated: 2023-03-01. Review status: criteria provided, single submitter. Criteria: CeGaT Center For Human Genetics Tuebingen Variant Classification Criteria Version 2. Collection method: clinical testing. Allele origin: germline. Affected: yes. Observed: 3 variant alleles.
Comment: POLQ: BS2

Molecular Oncology Research Center, Barretos Cancer Hospital
Classification: Uncertain significance for Hereditary breast ovarian cancer syndrome. Last evaluated: 2020-08-01. Review status: criteria provided, single submitter. Criteria: ACMG Guidelines, 2015. Collection method: research. Allele origin: germline. Affected: yes. Observed: 1 variant allele.

Breakthrough Genomics
Classification: Uncertain significance. Review status: criteria provided, single submitter. Criteria: ACMG Guidelines, 2015. Collection method: not provided. Allele origin: germline. Inheritance: Unknown mechanism. Affected: yes.

PreventionGenetics, part of Exact Sciences
Classification: Likely benign for POLQ-related condition. Last evaluated: 2019-04-30. Review status: no assertion criteria provided. Collection method: clinical testing. Allele origin: germline. Not counted in ClinVar's aggregate classification.
Comment: This variant is classified as likely benign based on ACMG/AMP sequence variant interpretation guidelines (Richards et al. 2015 PMID: 25741868, with internal and published modifications).

Department of Pathology and Laboratory Medicine, Sinai Health System
Classification: Uncertain significance. Review status: no assertion criteria provided. Collection method: clinical testing. Allele origin: unknown. Affected: yes. Study: The Canadian Open Genetics Repository (COGR). Not counted in ClinVar's aggregate classification.
Comment: The POLQ p.Ile1421Argfs*8 variant was not identified in the literature nor was it identified in ClinVar, Cosmic or LOVD 3.0. The variant was identified in dbSNP (ID: rs546221341) and it was also found in control databases in 1550 of 274164 chromosomes (10 homozygous) at a frequency of 0.005654 increasing the likelihood this could be a low frequency benign variant (Genome Aggregation Database Feb 27, 2017). The variant was observed in the following populations: Other in 59 of 6984 chromosomes (freq: 0.008448), European (non-Finnish) in 986 of 126256 chromosomes (freq: 0.00781), European (Finnish) in 163 of 24894 chromosomes (freq: 0.006548), South Asian in 168 of 28210 chromosomes (freq: 0.005955), Latino in 146 of 33608 chromosomes (freq: 0.004344), African in 27 of 24684 chromosomes (freq: 0.001094) and Ashkenazi Jewish in 1 of 9894 chromosomes (freq: 0.000101), while the variant was not observed in the East Asian populations. The variant occurs outside of the splicing consensus sequence and 2 of 4 in silico or computational prediction software programs (SpliceSiteFinder, MaxEntScan) predict the gain of a 3' splice site at the site of variation. SpliceSiteFinder-like also predicts the loss of a3' splice site at c.4272; this is still not very predictive of pathogenicity. The c.4262_4268del variant is predicted to cause a frameshift, which alters the protein's amino acid sequence beginning at codon 1421 and leads to a premature stop codon at position 1429. This alteration is then predicted to result in a truncated or absent protein and loss of function. However, loss of function variants of the POLQ gene are not an established mechanism of disease and therefore this variant may not be the type of variant normally expected to cause the disorder. In summary, based on the above information the clinical significance of this variant cannot be determined with certainty at this time. This variant is classified as a variant of uncertain significance.

NM_199420.4(POLQ):c.4262_4268del (p.Ile1421fs)

Gene: POLQ (DNA polymerase theta; minus strand). Cytogenetic location: 3q13.33.
Variant type: Deletion.
Coding change: c.4262_4268del on transcript NM_199420.4 (MANE Select); coding-DNA positions 4262 to 4268, 7 bases deleted (TACTATT; older notation c.4262_4268delTACTATT).
Protein change: p.Ile1421fs; shifts the reading frame from isoleucine 1421.
Molecular consequence: frameshift variant.
Genome position (GRCh38, 1-based): chr3:121,488,663-121,488,669, AATAGTA deleted on the plus strand (TACTATT on the coding strand, the reverse complement: POLQ is on the minus strand). VCF-style (leftmost placement, unchanged base first): chr3-121488662-CAATAGTA-C. GRCh37 (hg19) VCF-style: chr3-121207509-CAATAGTA-C.
Other names: c.4262_4268delTACTATT (NM_199420.4); c.4262_4268del7 (NM_199420.3); short protein forms I1421fs.
Identifiers: ClinVar variation 981890 (VCV000981890.28), dbSNP rs546221341, ClinGen allele CA2562926.
Genomic context (GRCh38, chr3:121,488,662, plus strand): 5'-ATTTAATTGTGAATCAGTAACAGAAACTTCATTCTTTTTTAAAAAAAGACCATTTTCCTC[CAATAGTA>C]TTGGAGAATGGAAAATCGGGCTTTCTGGAGTCAGGATATCAACCCCATGTGAATCACTGC-3'